The following is an entry in ClinVar:

ClinVar aggregate classification (germline): Likely pathogenic. Review status: criteria provided, single submitter (1 of 4 stars). 2 submissions from 2 submitters: Likely pathogenic (1). 1 of the submissions does not count toward it. Last evaluated 2006-06-30.

Conditions:
Autosomal dominant nonsyndromic hearing loss 20. Identifiers: Orphanet 90635, MedGen C1858172, MONDO:0011480, OMIM 604717.

Submissions (2):

Precision Medicine Center, Zhengzhou University
Classification: Likely pathogenic for Autosomal dominant nonsyndromic hearing loss 20. Last evaluated: 2006-06-30. Review status: criteria provided, single submitter. Criteria: ClinGen HL ACMG Specifications v1. Collection method: clinical testing. Allele origin: maternal. Affected: yes.
Comment: PP1_strong+PM2+PS4_supporting+PP3:The ACTG1 c.364A>G variant is absent or extremely rare in population databases (PM2). Segregation in 7 affected relatives for dominant ( PMID: 18804074)(PP1_Strong) and has been identified in multiple unrelated affected individuals (PMID: 18804074)(PS4_Supporting). Multiple computational prediction tools support a deleterious effect on protein function (PP3). According to the ACMG/AMP guidelines, this variant is classified as Likely Pathogenic.

UniProtKB/Swiss-Prot
No classification provided. Review status: no classification provided. Collection method: not provided. Allele origin: not provided. Not counted in ClinVar's aggregate classification.

Literature cited by the submitters: PubMed 18804074 (cited by Precision Medicine Center, Zhengzhou University).

NM_001614.5(ACTG1):c.364A>G (p.Ile122Val)

Gene: ACTG1 (actin gamma 1; minus strand). Cytogenetic location: 17q25.3.
Variant type: single nucleotide variant.
Coding change: c.364A>G on transcript NM_001614.5 (MANE Select); coding-DNA position 364, A replaced by G.
Protein change: p.Ile122Val; replaces isoleucine 122 with valine.
Molecular consequence: missense variant. On other transcripts: non-coding transcript variant (1).
Genome position (GRCh38, 1-based): chr17:81,511,626, T>C on the plus strand (A>G on the coding strand, the complement: ACTG1 is on the minus strand). VCF-style: chr17-81511626-T-C. GRCh37 (hg19) VCF-style: chr17-79478652-T-C.
Other names: c.364A>G, p.Ile122Val (NM_001199954.3); short protein forms I122V.
Identifiers: ClinVar variation 68787 (VCV000068787.2), dbSNP rs281875330, ClinGen allele CA219946.
Genomic context (GRCh38, chr17:81,511,626, plus strand): 5'-GGGACAGCACGGCCTGGATGGCCACGTACATGGCCGGGGTGTTGAAGGTCTCAAACATAA[T>C]CTGAGAAGGGACAAGGGGCGGCTTAGTCAGGGACAGAGACCCACGGCCACCCCATGCTCA-3'
Protein context (NP_001605.1, residues 112-132): PKANREKMTQ[Ile122Val]MFETFNTPAM